The following is an entry in ClinVar:

ClinVar aggregate classification (germline): Uncertain significance (1 of 4 stars; one submission).

Submission:

Labcorp Genetics (formerly Invitae), Labcorp
Classification: Uncertain significance. Last evaluated: 2024-08-28. Review status: criteria provided, single submitter. Criteria: Invitae Variant Classification Sherloc (09022015). Collection method: clinical testing. Allele origin: germline.
Comment: This variant, c.907_909del, results in the deletion of 1 amino acid(s) of the KPNA7 protein (p.Ser303del), but otherwise preserves the integrity of the reading frame. This variant is present in population databases (rs777421435, gnomAD 0.004%). This variant has not been reported in the literature in individuals affected with KPNA7-related conditions. ClinVar contains an entry for this variant (Variation ID: 2138837). Experimental studies and prediction algorithms are not available or were not evaluated, and the functional significance of this variant is currently unknown. In summary, the available evidence is currently insufficient to determine the role of this variant in disease. Therefore, it has been classified as a Variant of Uncertain Significance.

NM_001145715.3(KPNA7):c.907_909del (p.Ser303del)

Gene: KPNA7 (karyopherin subunit alpha 7; minus strand). Cytogenetic location: 7q22.1.
Variant type: Deletion.
Coding change: c.907_909del on transcript NM_001145715.3 (MANE Select); coding-DNA positions 907 to 909, 3 bases deleted (TCT; older notation c.907_909delTCT).
Protein change: p.Ser303del; deletes serine 303.
Molecular consequence: inframe deletion.
Genome position (GRCh38, 1-based): chr7:99,185,154-99,185,156, AGA deleted on the plus strand (TCT on the coding strand, the reverse complement: KPNA7 is on the minus strand); deleting any 3 consecutive bases within chr7:99,185,154-99,185,158 gives the same sequence; the c. name uses the placement nearest the transcript's 3' end. VCF-style (leftmost placement, unchanged base first): chr7-99185153-GAGA-G. GRCh37 (hg19) VCF-style: chr7-98782776-GAGA-G.
Other names: short protein forms S303del.
Identifiers: ClinVar variation 2138837 (VCV002138837.3), dbSNP rs777421435, ClinGen allele CA4363162.
Genomic context (GRCh38, chr7:99,185,153, plus strand): 5'-CATCAATGGCCATCTGCGTCTGCTCATCTGTGCCCGTGACAATGTTCCCCACGGTGCGGA[GAGA>G]AGGAGTCTGGAAGAGCAAGGCTAGAAGTCTAAGTATTTCAAGTCTATCCCAGGAGAAGGC-3'